The following is an entry in ClinVar:

NM_144999.4(LRRC45):c.14G>A (p.Arg5Gln)

Gene: LRRC45 (leucine rich repeat containing 45; plus strand). Cytogenetic location: 17q25.3.
Variant type: single nucleotide variant.
Coding change: c.14G>A on transcript NM_144999.4 (MANE Select); coding-DNA position 14, G replaced by A.
Protein change: p.Arg5Gln; replaces arginine 5 with glutamine.
Molecular consequence: missense variant.
Genome position (GRCh38, 1-based): chr17:82,023,657, G>A. VCF-style: chr17-82023657-G-A. GRCh37 (hg19) VCF-style: chr17-79981533-G-A.
Other names: short protein forms R5Q.
Identifiers: ClinVar variation 3350721 (VCV003350721.1).

ClinVar aggregate classification (germline): Likely benign (0 of 4 stars; one submission).

Conditions:
LRRC45-related disorder. Also called: LRRC45-related condition.

Submission:

PreventionGenetics, part of Exact Sciences
Classification: Likely benign for LRRC45-related condition. Last evaluated: 2024-07-17. Review status: no assertion criteria provided. Collection method: clinical testing. Allele origin: germline.
Comment: This variant is classified as likely benign based on ACMG/AMP sequence variant interpretation guidelines (Richards et al. 2015 PMID: 25741868, with internal and published modifications).